The following is an entry in ClinVar:

ClinVar aggregate classification (germline): Pathogenic (0 of 4 stars; one submission).

Conditions:
PKD1-related disorder. Also called: PKD1-related condition.

Submission:

PreventionGenetics, part of Exact Sciences
Classification: Pathogenic for PKD1-related condition. Last evaluated: 2024-06-07. Review status: no assertion criteria provided. Collection method: clinical testing. Allele origin: germline.
Comment: The PKD1 c.4186delG variant is predicted to result in a frameshift and premature protein termination (p.Asp1396Thrfs*36). To our knowledge, this variant has not been reported in the literature or in a large population database, indicating this variant is rare. Frameshift variants in PKD1 are expected to be pathogenic. This variant is interpreted as pathogenic.

NM_001009944.3(PKD1):c.4186del (p.Asp1396fs)

Gene: PKD1 (polycystin 1, transient receptor potential channel interacting; minus strand). Cytogenetic location: 16p13.3.
Variant type: Deletion.
Coding change: c.4186del on transcript NM_001009944.3 (MANE Select); coding-DNA position 4186, one base deleted (G; older notation c.4186delG).
Protein change: p.Asp1396fs; shifts the reading frame from aspartic acid 1396.
Molecular consequence: frameshift variant.
Genome position (GRCh38, 1-based): chr16:2,110,981, C deleted on the plus strand (G on the coding strand, the reverse complement: PKD1 is on the minus strand); the first of 4 consecutive C bases (chr16:2,110,981-2,110,984); deleting any one gives the same sequence. VCF-style (leftmost placement, unchanged base first): chr16-2110980-TC-T. GRCh37 (hg19) VCF-style: chr16-2160981-TC-T.
Other names: c.4186del, p.Asp1396fs (NM_000296.4); c.4186delG (NM_001009944.2); short protein forms D1396fs.
Identifiers: ClinVar variation 3347939 (VCV003347939.1).